The following is an entry in ClinVar:

NM_033087.4(ALG2):c.1153A>G (p.Thr385Ala)

Gene: ALG2 (ALG2 alpha-1,3/1,6-mannosyltransferase; minus strand). Cytogenetic location: 9q22.33.
Variant type: single nucleotide variant.
Coding change: c.1153A>G on transcript NM_033087.4 (MANE Select); coding-DNA position 1153, A replaced by G.
Protein change: p.Thr385Ala; replaces threonine 385 with alanine.
Molecular consequence: missense variant. On other transcripts: non-coding transcript variant (1).
Genome position (GRCh38, 1-based): chr9:99,218,032, T>C on the plus strand (A>G on the coding strand, the complement: ALG2 is on the minus strand). VCF-style: chr9-99218032-T-C. GRCh37 (hg19) VCF-style: chr9-101980314-T-C.
Other names: short protein forms T385A.
Identifiers: ClinVar variation 1402116 (VCV001402116.6), dbSNP rs1340353164, ClinGen allele CA374225230.

ClinVar aggregate classification (germline): Uncertain significance (1 of 4 stars; one submission).

Conditions:
Congenital disorder of glycosylation, type Ii. Also called: ALG2-congenital disorder of glycosylation; ALG2-CDG; CDG Ii. Identifiers: Orphanet 79326, MedGen C1842836, MONDO:0011933, OMIM 607906.
Congenital myasthenic syndrome 14. Also called: Myasthenic syndrome, congenital, 14, with tubular aggregates. Identifiers: Orphanet 353327, Orphanet 590, MedGen C4015597, MONDO:0014543, OMIM 616228.

gnomAD v4.1: 2 of 1,614,230 alleles (0.00012%); highest among the groups gnomAD compares: Non-Finnish European, 0.00017%; no homozygotes.

Submission:

Labcorp Genetics (formerly Invitae), Labcorp
Classification: Uncertain significance for Congenital disorder of glycosylation, type Ii; Congenital myasthenic syndrome 14. Last evaluated: 2023-12-18. Review status: criteria provided, single submitter. Criteria: Invitae Variant Classification Sherloc (09022015). Collection method: clinical testing. Allele origin: germline.
Comment: This sequence change replaces threonine, which is neutral and polar, with alanine, which is neutral and non-polar, at codon 385 of the ALG2 protein (p.Thr385Ala). This variant is not present in population databases (gnomAD no frequency). This variant has not been reported in the literature in individuals affected with ALG2-related conditions. ClinVar contains an entry for this variant (Variation ID: 1402116). Algorithms developed to predict the effect of missense changes on protein structure and function output the following: SIFT: "Not Available"; PolyPhen-2: "Benign"; Align-GVGD: "Not Available". The alanine amino acid residue is found in multiple mammalian species, which suggests that this missense change does not adversely affect protein function. In summary, the available evidence is currently insufficient to determine the role of this variant in disease. Therefore, it has been classified as a Variant of Uncertain Significance.